The following is an entry in ClinVar:

NM_006073.4(TRDN):c.823G>C (p.Asp275His)

Gene: TRDN (triadin; minus strand). Cytogenetic location: 6q22.31.
Variant type: single nucleotide variant.
Coding change: c.823G>C on transcript NM_006073.4 (MANE Select); coding-DNA position 823, G replaced by C.
Protein change: p.Asp275His; replaces aspartic acid 275 with histidine.
Molecular consequence: missense variant. On other transcripts: intron variant (2).
Genome position (GRCh38, 1-based): chr6:123,497,223, C>G on the plus strand (G>C on the coding strand, the complement: TRDN is on the minus strand). VCF-style: chr6-123497223-C-G. GRCh37 (hg19) VCF-style: chr6-123818368-C-G.
Other names: c.823G>C, p.Asp275His (NM_001251987.2); c.793+6496G>C (NM_001407315.1, NM_001256020.2); short protein forms D275H.
Identifiers: ClinVar variation 5031105 (VCV005031105.1).
Genomic context (GRCh38, chr6:123,497,223, plus strand): 5'-ACAGACAAGTACAAGAATTGCTTGGAATACCTGGTTTTAAATCCCCATGGACAAATATGT[C>G]AATCATATATCGACAGAATGCATACTGATCTGACAGAGTAGAAAGAAAAAGAGCAATGAA-3'
Protein context (NP_006064.2, residues 265-285): DQYAFCRYMI[Asp275His]IFVHGDLKPG

ClinVar aggregate classification (germline): Uncertain significance (1 of 4 stars; one submission).

Conditions:
Cardiovascular phenotype. Identifiers: MedGen CN230736.

Submission:

Ambry Genetics
Classification: Uncertain significance for Cardiovascular phenotype. Last evaluated: 2026-08-27. Review status: criteria provided, single submitter. Criteria: Ambry Variant Classification Scheme 2023. Collection method: clinical testing. Allele origin: germline.
Comment: The p.D275H variant (also known as c.823G>C), located in coding exon 9 of the TRDN gene, results from a G to C substitution at nucleotide position 823. The aspartic acid at codon 275 is replaced by histidine, an amino acid with similar properties. This amino acid position is highly conserved in available vertebrate species. In addition, this alteration is predicted to be deleterious by in silico analysis. Based on the available evidence, the clinical significance of this variant remains unclear.